The following is an entry in ClinVar:

ClinVar aggregate classification (germline): Uncertain significance (1 of 4 stars; one submission).

Submission:

Labcorp Genetics (formerly Invitae), Labcorp
Classification: Uncertain significance. Last evaluated: 2023-11-27. Review status: criteria provided, single submitter. Criteria: Invitae Variant Classification Sherloc (09022015). Collection method: clinical testing. Allele origin: germline.
Comment: This sequence change replaces methionine, which is neutral and non-polar, with threonine, which is neutral and polar, at codon 1954 of the LRP2 protein (p.Met1954Thr). This variant is not present in population databases (gnomAD no frequency). This variant has not been reported in the literature in individuals affected with LRP2-related conditions. ClinVar contains an entry for this variant (Variation ID: 1368182). Advanced modeling of protein sequence and biophysical properties (such as structural, functional, and spatial information, amino acid conservation, physicochemical variation, residue mobility, and thermodynamic stability) performed at Invitae indicates that this missense variant is not expected to disrupt LRP2 protein function with a negative predictive value of 80%. In summary, the available evidence is currently insufficient to determine the role of this variant in disease. Therefore, it has been classified as a Variant of Uncertain Significance.

NM_004525.3(LRP2):c.5861T>C (p.Met1954Thr)

Gene: LRP2 (LDL receptor related protein 2; minus strand). Cytogenetic location: 2q31.1.
Variant type: single nucleotide variant.
Coding change: c.5861T>C on transcript NM_004525.3 (MANE Select); coding-DNA position 5861, T replaced by C.
Protein change: p.Met1954Thr; replaces methionine 1954 with threonine.
Molecular consequence: missense variant.
Genome position (GRCh38, 1-based): chr2:169,213,836, A>G on the plus strand (T>C on the coding strand, the complement: LRP2 is on the minus strand). VCF-style: chr2-169213836-A-G. GRCh37 (hg19) VCF-style: chr2-170070346-A-G.
Other names: short protein forms M1954T.
Identifiers: ClinVar variation 1368182 (VCV001368182.8), dbSNP rs1688682444, ClinGen allele CA349134280.